The following is an entry in ClinVar:

NM_003000.3(SDHB):c.287-18A>G

Gene: SDHB (succinate dehydrogenase complex iron sulfur subunit B; minus strand). Cytogenetic location: 1p36.13.
Variant type: single nucleotide variant.
Coding change: c.287-18A>G on transcript NM_003000.3 (MANE Select); 18 bases into the intron before coding-DNA position 287, A replaced by G.
Molecular consequence: intron variant.
Genome position (GRCh38, 1-based): chr1:17,028,754, T>C on the plus strand (A>G on the coding strand, the complement: SDHB is on the minus strand). VCF-style: chr1-17028754-T-C. GRCh37 (hg19) VCF-style: chr1-17355249-T-C.
Identifiers: ClinVar variation 1996497 (VCV001996497.4), dbSNP rs2525021047, ClinGen allele CA2580060637.
Genomic context (GRCh38, chr1:17,028,754, plus strand): 5'-GTGTTGCCTCCATTGATGTTCATTGCACAAGAGCCACAGATGCCTGAAAGAGACACACAT[T>C]TAACACATCCTCACCCATATCCGGAATCAGTCCTGCCCCAAATACTTTCTTCTGGATCCT-3'

ClinVar aggregate classification (germline): Uncertain significance (1 of 4 stars; one submission).

Conditions:
Pheochromocytoma. Also called: MAX-Related Hereditary Paraganglioma-Pheochromocytoma Syndrome. Identifiers: Orphanet 29072, MedGen C0031511, MONDO:0008233, OMIM 171300, HP:0002666.
Gastrointestinal stromal tumor. Also called: Gastrointestinal stroma tumor; Gastrointestinal stromal tumor, somatic. Identifiers: Orphanet 44890, MedGen C0238198, MeSH D046152, MONDO:0011719, OMIM 606764, HP:0100723.
Pheochromocytoma/paraganglioma syndrome 4. Also called: CAROTID BODY TUMORS AND MULTIPLE EXTRAADRENAL PHEOCHROMOCYTOMAS; PARAGANGLIOMA, FAMILIAL MALIGNANT; PARAGANGLIOMAS, HEREDITARY EXTRAADRENAL; PHEOCHROMOCYTOMA, FAMILIAL EXTRAADRENAL; Paragangliomas 4; SDHB-Related Hereditary Paraganglioma-Pheochromocytoma Syndrome (Paragangliomas 4). Identifiers: Orphanet 29072, MedGen C1861848, MONDO:0007273, OMIM 115310.

Submission:

Labcorp Genetics (formerly Invitae), Labcorp
Classification: Uncertain significance for Gastrointestinal stromal tumor; Pheochromocytoma/paraganglioma syndrome 4; Pheochromocytoma. Last evaluated: 2026-01-08. Review status: criteria provided, single submitter. Criteria: Invitae Variant Classification Sherloc (09022015). Collection method: clinical testing. Allele origin: germline.
Comment: This sequence change falls in intron 3 of the SDHB gene. It does not directly change the encoded amino acid sequence of the SDHB protein. This variant is not present in population databases (gnomAD no frequency). This variant has not been reported in the literature in individuals affected with SDHB-related conditions. ClinVar contains an entry for this variant (Variation ID: 1996497). Algorithms developed to predict the effect of sequence changes on RNA splicing suggest that this variant may disrupt the consensus splice site. In summary, the available evidence is currently insufficient to determine the role of this variant in disease. Therefore, it has been classified as a Variant of Uncertain Significance.